The following is an entry in ClinVar:

NM_152564.5(VPS13B):c.5120C>T (p.Thr1707Ile)

Gene: VPS13B (vacuolar protein sorting 13 homolog B; plus strand). Cytogenetic location: 8q22.2.
Variant type: single nucleotide variant.
Coding change: c.5120C>T on transcript NM_152564.5 (MANE Select); coding-DNA position 5120, C replaced by T.
Protein change: p.Thr1707Ile; replaces threonine 1707 with isoleucine.
Molecular consequence: missense variant.
Genome position (GRCh38, 1-based): chr8:99,577,533, C>T. VCF-style: chr8-99577533-C-T. GRCh37 (hg19) VCF-style: chr8-100589761-C-T.
Other names: c.5120C>T (NM_152564.4); c.5195C>T, p.Thr1732Ile (NM_017890.5); c.5195C>T (NM_017890.3); short protein forms T1732I, T1707I.
Identifiers: ClinVar variation 965653 (VCV000965653.11), dbSNP rs1430604594, ClinGen allele CA371875315.
Genomic context (GRCh38, chr8:99,577,533, plus strand): 5'-TACCGTTTTTGCTTCAGGAGATTTTAGTGTGTGGCCATTCCTTAGAAGTGAATATAACCA[C>T]AAACCTGGACTTCTTCCTAAGTGTGGCTCAAGTTCAACTCTTACATCAGTTAATAGTAGC-3'
Protein context (NP_689777.3, residues 1697-1717): CGHSLEVNIT[Thr1707Ile]NLDFFLSVAQ

ClinVar aggregate classification (germline): Uncertain significance. Review status: criteria provided, multiple submitters, no conflicts (2 of 4 stars). 4 submissions from 4 submitters: Uncertain significance (2). 2 of the submissions do not count toward it. Last evaluated 2025-01-08.

Conditions:
VPS13B-related disorder. Also called: VPS13B-related condition.
Inborn genetic diseases. Identifiers: MedGen C0950123, MeSH D030342.
Cohen syndrome (COH1). Also called: Cutis verticis gyrata, retinitis pigmentosa, and sensorineural deafness; PEPPER SYNDROME. Identifiers: Orphanet 193, MedGen C0265223, MONDO:0008999, OMIM 216550.

Allele frequency attached by ClinVar (database versions not stated): gnomAD exomes 0.00001; gnomAD 0.00002; TOPMed 0.00002.
gnomAD v4.1: 24 of 1,613,748 alleles (0.0015%); highest among the groups gnomAD compares: Non-Finnish European, 0.002%; no homozygotes.

Submissions (4):

Ambry Genetics
Classification: Uncertain significance for Inborn genetic diseases. Last evaluated: 2025-01-08. Review status: criteria provided, single submitter. Criteria: Ambry Variant Classification Scheme 2023. Collection method: clinical testing. Allele origin: germline.

Labcorp Genetics (formerly Invitae), Labcorp
Classification: Uncertain significance for Cohen syndrome. Last evaluated: 2022-06-15. Review status: criteria provided, single submitter. Criteria: Invitae Variant Classification Sherloc (09022015). Collection method: clinical testing. Allele origin: germline.
Comment: This sequence change replaces threonine, which is neutral and polar, with isoleucine, which is neutral and non-polar, at codon 1732 of the VPS13B protein (p.Thr1732Ile). This variant is present in population databases (no rsID available, gnomAD 0.002%). This variant has not been reported in the literature in individuals affected with VPS13B-related conditions. ClinVar contains an entry for this variant (Variation ID: 965653). Algorithms developed to predict the effect of missense changes on protein structure and function are either unavailable or do not agree on the potential impact of this missense change (SIFT: "Not Available"; PolyPhen-2: "Probably Damaging"; Align-GVGD: "Not Available"). In summary, the available evidence is currently insufficient to determine the role of this variant in disease. Therefore, it has been classified as a Variant of Uncertain Significance.

PreventionGenetics, part of Exact Sciences
Classification: Uncertain significance for VPS13B-related condition. Last evaluated: 2023-12-18. Review status: no assertion criteria provided. Collection method: clinical testing. Allele origin: germline. Not counted in ClinVar's aggregate classification.
Comment: The VPS13B c.5120C>T variant is predicted to result in the amino acid substitution p.Thr1707Ile. To our knowledge, this variant has not been reported in the literature. This variant is reported in 0.0018% of alleles in individuals of European (Non-Finnish) descent in gnomAD. At this time, the clinical significance of this variant is uncertain due to the absence of conclusive functional and genetic evidence.

Natera, Inc.
Classification: Uncertain significance for Cohen syndrome. Last evaluated: 2020-02-13. Review status: no assertion criteria provided. Collection method: clinical testing. Allele origin: germline. Not counted in ClinVar's aggregate classification.